The following is an entry in ClinVar:

ClinVar aggregate classification (germline): Uncertain significance. Review status: criteria provided, multiple submitters, no conflicts (2 of 4 stars). 2 submissions from 2 submitters: Uncertain significance (2). Last evaluated 2025-03-07.

Conditions:
Developmental delay with variable intellectual impairment and behavioral abnormalities. Identifiers: MedGen C5193092, MONDO:0032745, OMIM 618430.

gnomAD v4.1: 2 of 1,609,660 alleles (0.00012%); highest among the groups gnomAD compares: Non-Finnish European, 0.00017%; no homozygotes.

Submissions (2):

Revvity Omics, Revvity
Classification: Uncertain significance for Developmental delay with variable intellectual impairment and behavioral abnormalities. Last evaluated: 2025-03-07. Review status: criteria provided, single submitter. Criteria: ACMG Guidelines, 2015. Collection method: clinical testing. Allele origin: germline.

Labcorp Genetics (formerly Invitae), Labcorp
Classification: Uncertain significance. Last evaluated: 2024-10-28. Review status: criteria provided, single submitter. Criteria: Invitae Variant Classification Sherloc (09022015). Collection method: clinical testing. Allele origin: germline.
Comment: This sequence change replaces histidine, which is basic and polar, with asparagine, which is neutral and polar, at codon 323 of the TCF20 protein (p.His323Asn). This variant is present in population databases (rs775132778, gnomAD 0.0009%). This variant has not been reported in the literature in individuals affected with TCF20-related conditions. An algorithm developed to predict the effect of missense changes on protein structure and function (PolyPhen-2) suggests that this variant is likely to be tolerated. In summary, the available evidence is currently insufficient to determine the role of this variant in disease. Therefore, it has been classified as a Variant of Uncertain Significance.

NM_001378418.1(TCF20):c.967C>A (p.His323Asn)

Gene: TCF20 (transcription factor 20; minus strand). Cytogenetic location: 22q13.2.
Variant type: single nucleotide variant.
Coding change: c.967C>A on transcript NM_001378418.1 (MANE Select); coding-DNA position 967, C replaced by A.
Protein change: p.His323Asn; replaces histidine 323 with asparagine.
Molecular consequence: missense variant.
Genome position (GRCh38, 1-based): chr22:42,214,339, G>T on the plus strand (C>A on the coding strand, the complement: TCF20 is on the minus strand). VCF-style: chr22-42214339-G-T. GRCh37 (hg19) VCF-style: chr22-42610345-G-T.
Other names: c.967C>A (NM_005650.3); c.967C>A, p.His323Asn (NM_005650.4, NM_181492.3); short protein forms H323N.
Identifiers: ClinVar variation 3607391 (VCV003607391.3).